The following is an entry in ClinVar:

ClinVar aggregate classification (germline): Conflicting classifications of pathogenicity. Review status: criteria provided, conflicting classifications (1 of 4 stars). 2 submissions from 2 submitters: Uncertain significance (1); Likely benign (1). Last evaluated 2026-01-26.

Conditions:
Hypogonadotropic hypogonadism. Also called: Hypogonadotrophic hypogonadism; Isolated hypogonadotropic hypogonadism; Hypogonadotropic hypogonadism with or without anosmia; Low gonadotropins (secondary hypogonadism). Identifiers: Orphanet 432, MedGen C0271623, MONDO:0018555, HP:0000044.

Allele frequency attached by ClinVar (database versions not stated): gnomAD 0.00009; ExAC 0.00018.
gnomAD v4.1: 145 of 1,593,152 alleles (0.0091%); highest among the groups gnomAD compares: Non-Finnish European, 0.01%; no homozygotes.

Submissions (2):

Labcorp Genetics (formerly Invitae), Labcorp
Classification: Uncertain significance. Last evaluated: 2026-01-26. Review status: criteria provided, single submitter. Criteria: Invitae Variant Classification Sherloc (09022015). Collection method: clinical testing. Allele origin: germline.
Comment: This sequence change replaces valine, which is neutral and non-polar, with methionine, which is neutral and non-polar, at codon 220 of the SOX11 protein (p.Val220Met). This variant is present in population databases (rs758958162, gnomAD 0.03%). This variant has not been reported in the literature in individuals affected with SOX11-related conditions. ClinVar contains an entry for this variant (Variation ID: 2061247). Invitae Evidence Modeling of protein sequence and biophysical properties (such as structural, functional, and spatial information, amino acid conservation, physicochemical variation, residue mobility, and thermodynamic stability) indicates that this missense variant is not expected to disrupt SOX11 protein function with a negative predictive value of 95%. In summary, the available evidence is currently insufficient to determine the role of this variant in disease. Therefore, it has been classified as a Variant of Uncertain Significance.

Reproductive Endocrine Unit, Massachusetts General Hospital
Classification: Likely benign for HYPOGONADOTROPIC HYPOGONADISM. Last evaluated: 2024-06-25. Review status: criteria provided, single submitter. Criteria: ACMG Guidelines, 2015. Collection method: research. Allele origin: paternal. Affected: yes.
Comment: PP2,BP2,BP5,2BP

NM_003108.4(SOX11):c.658G>A (p.Val220Met)

Gene: SOX11 (SRY-box transcription factor 11; plus strand). Cytogenetic location: 2p25.2.
Variant type: single nucleotide variant.
Coding change: c.658G>A on transcript NM_003108.4 (MANE Select); coding-DNA position 658, G replaced by A.
Protein change: p.Val220Met; replaces valine 220 with methionine.
Molecular consequence: missense variant.
Genome position (GRCh38, 1-based): chr2:5,693,379, G>A. VCF-style: chr2-5693379-G-A. GRCh37 (hg19) VCF-style: chr2-5833511-G-A.
Other names: short protein forms V220M.
Identifiers: ClinVar variation 2061247 (VCV002061247.5), dbSNP rs758958162, ClinGen allele CA1517882.
Genomic context (GRCh38, chr2:5,693,379, plus strand): 5'-CTGGGCAGCCTGCGCGTGAGCGGCTCGGGCGGCGGCGGCGCGGGCAAGACGGTCAAGTGC[G>A]TGTTTCTGGATGAGGACGACGACGACGACGACGACGACGACGAGCTGCAGCTGCAGATCA-3'
Protein context (NP_003099.1, residues 210-230): GGGAGKTVKC[Val220Met]FLDEDDDDDD